The following is an entry in ClinVar:

NM_001145026.2(PTPRQ):c.1710C>T (p.Ser570=)

Gene: PTPRQ (protein tyrosine phosphatase receptor type Q; plus strand). Cytogenetic location: 12q21.31.
Variant type: single nucleotide variant.
Coding change: c.1710C>T on transcript NM_001145026.2 (MANE Select); coding-DNA position 1710, C replaced by T.
Protein change: p.Ser570=; no amino-acid change (serine 570 retained).
Molecular consequence: synonymous variant.
Genome position (GRCh38, 1-based): chr12:80,495,199, C>T. VCF-style: chr12-80495199-C-T. GRCh37 (hg19) VCF-style: chr12-80888978-C-T.
Identifiers: ClinVar variation 805256 (VCV000805256.35), dbSNP rs140978858, ClinGen allele CA6702460.

ClinVar aggregate classification (germline): Benign/Likely benign. Review status: criteria provided, multiple submitters, no conflicts (2 of 4 stars). 5 submissions from 5 submitters: Benign (3); Likely benign (2). Last evaluated 2024-11-27.

Allele frequency attached by ClinVar (database versions not stated): gnomAD exomes 0.00259 and 0.00231; ExAC 0.00292; 1000 Genomes Project 0.00100; 1000 Genomes Project 30x 0.00125; gnomAD 0.00195 and 0.00198; TOPMed 0.00210.
gnomAD v4.1: 3,561 of 1,543,630 alleles (0.23%); highest among the groups gnomAD compares: Middle Eastern, 0.58%; 10 homozygotes.

Submissions (5):

Blueprint Genetics
Classification: Likely benign. Last evaluated: 2024-11-27. Review status: criteria provided, single submitter. Criteria: ACMG Guidelines, 2015. Collection method: clinical testing. Allele origin: germline.

CeGaT Center for Human Genetics Tuebingen
Classification: Likely benign. Last evaluated: 2022-11-01. Review status: criteria provided, single submitter. Criteria: CeGaT Center For Human Genetics Tuebingen Variant Classification Criteria Version 2. Collection method: clinical testing. Allele origin: germline. Affected: yes. Observed: 3 variant alleles.
Comment: PTPRQ: BP4, BS1

GeneDx
Classification: Benign. Last evaluated: 2019-01-24. Review status: criteria provided, single submitter. Criteria: GeneDx Variant Classification Process June 2021. Collection method: clinical testing. Allele origin: germline. Affected: yes.

Athena Diagnostics
Classification: Benign. Last evaluated: 2018-12-07. Review status: criteria provided, single submitter. Criteria: Athena Diagnostics Criteria. Collection method: clinical testing. Allele origin: germline.

Breakthrough Genomics
Classification: Benign. Review status: criteria provided, single submitter. Criteria: ACMG Guidelines, 2015. Collection method: not provided. Allele origin: germline. Inheritance: Autosomal recessive inheritance. Affected: yes.